The following is an entry in ClinVar:

NM_001271.4(CHD2):c.4593-204C>G

Gene: CHD2 (chromodomain helicase DNA binding protein 2; plus strand). Cytogenetic location: 15q26.1.
Variant type: single nucleotide variant.
Coding change: c.4593-204C>G on transcript NM_001271.4 (MANE Select); 204 bases into the intron before coding-DNA position 4593, C replaced by G.
Molecular consequence: intron variant.
Genome position (GRCh38, 1-based): chr15:93,012,141, C>G. VCF-style: chr15-93012141-C-G. GRCh37 (hg19) VCF-style: chr15-93555371-C-G.
Identifiers: ClinVar variation 677299 (VCV000677299.1), dbSNP rs62023153, ClinGen allele CA274886044.

ClinVar aggregate classification (germline): Likely benign (1 of 4 stars; one submission).

Allele frequency attached by ClinVar (database versions not stated): 1000 Genomes Project 0.00439; 1000 Genomes Project 30x 0.00453; TOPMed 0.00921; gnomAD 0.01338.
gnomAD v4.1: 1,586 of 152,216 alleles (1%); highest among the groups gnomAD compares: Non-Finnish European, 1.6%; 20 homozygotes.

Submission:

GeneDx
Classification: Likely benign. Last evaluated: 2018-06-14. Review status: criteria provided, single submitter. Criteria: GeneDx Variant Classification (06012015). Collection method: clinical testing. Allele origin: germline. Affected: yes.
Comment: This variant is considered likely benign or benign based on one or more of the following criteria: it is a conservative change, it occurs at a poorly conserved position in the protein, it is predicted to be benign by multiple in silico algorithms, and/or has population frequency not consistent with disease.